The following is an entry in ClinVar:

ClinVar aggregate classification (germline): Pathogenic/Likely pathogenic. Review status: criteria provided, multiple submitters, no conflicts (2 of 4 stars). 5 submissions from 5 submitters: Pathogenic (4); Likely pathogenic (1). Last evaluated 2024-12-18.

Conditions:
Hereditary cancer-predisposing syndrome. Also called: Neoplastic Syndromes, Hereditary; Tumor predisposition; Hereditary Cancer Syndrome; Hereditary neoplastic syndrome. Identifiers: Orphanet 140162, MedGen C0027672, MeSH D009386, MONDO:0015356.
Familial cancer of breast. Also called: BREAST CANCER, FAMILIAL; Hereditary breast cancer; hereditary breast carcinoma. Identifiers: Orphanet 227535, MedGen C0346153, MONDO:0016419, OMIM 114480. Disease mechanism: loss of function.

Allele frequency attached by ClinVar (database versions not stated): gnomAD exomes 0.00001 and below 0.00001; ExAC 0.00003.

Submissions (5):

Labcorp Genetics (formerly Invitae), Labcorp
Classification: Pathogenic for Familial cancer of breast. Last evaluated: 2024-12-18. Review status: criteria provided, single submitter. Criteria: Invitae Variant Classification Sherloc (09022015). Collection method: clinical testing. Allele origin: germline.
Comment: This sequence change creates a premature translational stop signal (p.Asp208Ilefs*9) in the CHEK2 gene. It is expected to result in an absent or disrupted protein product. Loss-of-function variants in CHEK2 are known to be pathogenic (PMID: 21876083, 24713400). This variant is present in population databases (rs773955899, gnomAD 0.006%). This premature translational stop signal has been observed in individual(s) with breast cancer (PMID: 28724667). ClinVar contains an entry for this variant (Variation ID: 483360). Algorithms developed to predict the effect of sequence changes on RNA splicing suggest that this variant may disrupt the consensus splice site. For these reasons, this variant has been classified as Pathogenic.

Ambry Genetics
Classification: Pathogenic for Hereditary cancer-predisposing syndrome. Last evaluated: 2024-03-19. Review status: criteria provided, single submitter. Criteria: Ambry Variant Classification Scheme 2023. Collection method: clinical testing. Allele origin: germline.
Comment: The c.622delG pathogenic mutation, located in coding exon 4 of the CHEK2 gene, results from a deletion of one nucleotide at nucleotide position 622, causing a translational frameshift with a predicted alternate stop codon (p.D208Ifs*9). This alteration was reported in a BRCA1/2-negative breast cancer patient (Fan Z et al. Breast Cancer Res. Treat., 2018 May;169:59-67). This variant is considered to be rare based on population cohorts in the Genome Aggregation Database (gnomAD). In addition to the clinical data presented in the literature, this alteration is expected to result in loss of function by premature protein truncation or nonsense-mediated mRNA decay. As such, this alteration is interpreted as a disease-causing mutation.

GeneDx
Classification: Likely pathogenic. Last evaluated: 2024-02-06. Review status: criteria provided, single submitter. Criteria: GeneDx Variant Classification Process June 2021. Collection method: clinical testing. Allele origin: germline. Affected: yes.
Comment: Frameshift variant predicted to result in protein truncation or nonsense mediated decay in a gene for which loss of function is a known mechanism of disease; Not observed at significant frequency in large population cohorts (gnomAD); This variant is associated with the following publications: (PMID: 31589614, 28724667, 31447099, 29922827, 29356917, 26689913)

Myriad Genetics, Inc.
Classification: Pathogenic for Familial cancer of breast. Last evaluated: 2023-06-26. Review status: criteria provided, single submitter. Criteria: Myriad Autosomal Dominant, Autosomal Recessive and X-Linked Classification Criteria (2023). Collection method: clinical testing. Allele origin: unknown.
Comment: This variant is considered pathogenic. This variant creates a frameshift predicted to result in premature protein truncation.

Color Diagnostics, LLC DBA Color Health
Classification: Pathogenic for Hereditary cancer-predisposing syndrome. Last evaluated: 2021-03-02. Review status: criteria provided, single submitter. Criteria: ACMG Guidelines, 2015. Collection method: clinical testing. Allele origin: germline.
Comment: This variant deletes 1 nucleotide in exon 5 of the CHEK2 gene, creating a frameshift and premature translation stop signal. This variant is expected to result in an absent or non-functional protein product. This variant has been reported in an individual affected with breast cancer (PMID: 29356917). This variant has been identified in 2/229194 chromosomes in the general population by the Genome Aggregation Database (gnomAD). Loss of CHEK2 function is a known mechanism of disease. Based on the available evidence, this variant is classified as Pathogenic.

Literature cited by the submitters: PubMed 21876083 (cited by Labcorp Genetics (formerly Invitae), Labcorp); PubMed 24713400 (cited by Labcorp Genetics (formerly Invitae), Labcorp); PubMed 28724667 (cited by Labcorp Genetics (formerly Invitae), Labcorp); PubMed 29356917 (cited by Ambry Genetics).

NM_007194.4(CHEK2):c.622del (p.Asp208fs)

Gene: CHEK2 (checkpoint kinase 2; minus strand). Cytogenetic location: 22q12.1.
Variant type: Deletion.
Coding change: c.622del on transcript NM_007194.4 (MANE Select); coding-DNA position 622, one base deleted (G; older notation c.622delG).
Protein change: p.Asp208fs; shifts the reading frame from aspartic acid 208.
Molecular consequence: frameshift variant. On other transcripts: 5 prime UTR variant (2), intron variant (1).
Genome position (GRCh38, 1-based): chr22:28,719,456, C deleted on the plus strand (G on the coding strand, the reverse complement: CHEK2 is on the minus strand). VCF-style (leftmost placement, unchanged base first): chr22-28719455-TC-T. GRCh37 (hg19) VCF-style: chr22-29115443-TC-T.
Other names: c.622delG (NM_007194.3); c.751del, p.Asp251fs (NM_001005735.3, NM_001438294.1); c.-42del (NM_001257387.3, NM_001437942.1); c.715del, p.Asp239fs (NM_001438293.1, NM_001438295.1); c.622del, p.Asp208fs (NM_145862.3); c.482+5430del (NM_001349956.3); short protein forms D251fs, D208fs, D239fs.
Identifiers: ClinVar variation 483360 (VCV000483360.18), dbSNP rs773955899, ClinGen allele CA10167930.
Genomic context (GRCh38, chr22:28,719,455, plus strand): 5'-CTTCCAAGAGTTTTTGACATGATGTATTCATCTCTTAATGCCTTAGGATAAACTGACTGA[TC>T]ATCTACAGTCAGATCAAAAAAGACAAAAACTAAGGAAGAAAAGAGTAGAAATGGGTTTCA-3'